The following is an entry in ClinVar:

ClinVar aggregate classification (germline): Uncertain significance. Review status: criteria provided, multiple submitters, no conflicts (2 of 4 stars). 3 submissions from 3 submitters: Uncertain significance (3). Last evaluated 2026-05-01.

Conditions:
Spastic paraplegia. Identifiers: MedGen C0037772, HP:0001258.

Submissions (3):

CeGaT Center for Human Genetics Tuebingen
Classification: Uncertain significance. Last evaluated: 2026-05-01. Review status: criteria provided, single submitter. Criteria: CeGaT Center For Human Genetics Tuebingen Variant Classification Criteria Version 2. Collection method: clinical testing. Allele origin: germline. Affected: yes. Observed: 1 variant allele.
Comment: SLC16A2: PM2

GeneDx
Classification: Uncertain significance. Last evaluated: 2024-02-06. Review status: criteria provided, single submitter. Criteria: GeneDx Variant Classification Process June 2021. Collection method: clinical testing. Allele origin: germline. Affected: yes.
Comment: Not observed at significant frequency in large population cohorts (gnomAD); In silico analysis supports that this missense variant has a deleterious effect on protein structure/function; Has not been previously published as pathogenic or benign to our knowledge

Labcorp Genetics (formerly Invitae), Labcorp
Classification: Uncertain significance for Spastic paraplegia. Last evaluated: 2022-08-22. Review status: criteria provided, single submitter. Criteria: Invitae Variant Classification Sherloc (09022015). Collection method: clinical testing. Allele origin: germline.
Comment: Advanced modeling of protein sequence and biophysical properties (such as structural, functional, and spatial information, amino acid conservation, physicochemical variation, residue mobility, and thermodynamic stability) performed at Invitae indicates that this missense variant is expected to disrupt SLC16A2 protein function. In summary, the available evidence is currently insufficient to determine the role of this variant in disease. Therefore, it has been classified as a Variant of Uncertain Significance. This variant has not been reported in the literature in individuals affected with SLC16A2-related conditions. This variant is not present in population databases (gnomAD no frequency). This sequence change replaces glycine, which is neutral and non-polar, with glutamic acid, which is acidic and polar, at codon 370 of the SLC16A2 protein (p.Gly370Glu).

NM_006517.5(SLC16A2):c.1109G>A (p.Gly370Glu)

Gene: SLC16A2 (solute carrier family 16 member 2; plus strand). Cytogenetic location: Xq13.2.
Variant type: single nucleotide variant.
Coding change: c.1109G>A on transcript NM_006517.5 (MANE Select); coding-DNA position 1109, G replaced by A.
Protein change: p.Gly370Glu; replaces glycine 370 with glutamic acid.
Molecular consequence: missense variant.
Genome position (GRCh38, 1-based): chrX:74,525,832, G>A. VCF-style: chrX-74525832-G-A. GRCh37 (hg19) VCF-style: chrX-73745667-G-A.
Other names: c.1109G>A (NM_006517.4); short protein forms G370E.
Identifiers: ClinVar variation 1717750 (VCV001717750.8), dbSNP rs2519807418, ClinGen allele CA413658011.